The following is an entry in ClinVar:

NM_139343.3(BIN1):c.902A>G (p.Asp301Gly)

Gene: BIN1 (bridging integrator 1; minus strand). Cytogenetic location: 2q14.3.
Variant type: single nucleotide variant.
Coding change: c.902A>G on transcript NM_139343.3 (MANE Select); coding-DNA position 902, A replaced by G.
Protein change: p.Asp301Gly; replaces aspartic acid 301 with glycine.
Molecular consequence: missense variant.
Genome position (GRCh38, 1-based): chr2:127,059,111, T>C on the plus strand (A>G on the coding strand, the complement: BIN1 is on the minus strand). VCF-style: chr2-127059111-T-C. GRCh37 (hg19) VCF-style: chr2-127816687-T-C.
Other names: c.854A>G, p.Asp285Gly (NM_001320632.2, NM_004305.4, NM_139346.3); c.902A>G, p.Asp301Gly (NM_001320633.2, NM_001320640.2, NM_139344.3 and 1 more transcripts); c.737A>G, p.Asp246Gly (NM_001320634.1); c.809A>G, p.Asp270Gly (NM_001320641.2, NM_139347.3, NM_139348.3 and 3 more transcripts); c.821A>G, p.Asp274Gly (NM_001320642.1); c.902A>G (NM_139343.2); short protein forms D246G, D270G, D274G, D285G, D301G.
Identifiers: ClinVar variation 1472016 (VCV001472016.7), dbSNP rs1259572705, ClinGen allele CA348379777.
Genomic context (GRCh38, chr2:127,059,111, plus strand): 5'-CCGCCGGCCGGCTCTGGCTCGTGGTTGACTCTGATCTCGGGGGTGGCGGCAGGGGAGCCA[T>C]CTGGAGGCGAAGGGCTCTTGTTCCCTTTTGCAGGCGCGTTGTCACTGTGGGGGAGGACAA-3'
Protein context (NP_647593.1, residues 291-311): AKGNKSPSPP[Asp301Gly]GSPAATPEIR

ClinVar aggregate classification (germline): Uncertain significance. Review status: criteria provided, multiple submitters, no conflicts (2 of 4 stars). 2 submissions from 2 submitters: Uncertain significance (2). Last evaluated 2025-07-03.

Conditions:
Myopathy, centronuclear, 2 (CNM2). Also called: MYOTUBULAR MYOPATHY, AUTOSOMAL RECESSIVE. Identifiers: Orphanet 169186, MedGen CN031787, MONDO:0009709, OMIM 255200.
Inborn genetic diseases. Identifiers: MedGen C0950123, MeSH D030342.

Allele frequency attached by ClinVar (database versions not stated): TOPMed below 0.00001; gnomAD exomes below 0.00001.
gnomAD v4.1: 1 of 1,593,072 alleles (0.000063%); highest among the groups gnomAD compares: South Asian, 0.0011%; no homozygotes.

Submissions (2):

Ambry Genetics
Classification: Uncertain significance for Inborn genetic diseases. Last evaluated: 2025-07-03. Review status: criteria provided, single submitter. Criteria: Ambry Variant Classification Scheme 2023. Collection method: clinical testing. Allele origin: germline.

Labcorp Genetics (formerly Invitae), Labcorp
Classification: Uncertain significance for Myopathy, centronuclear, 2. Last evaluated: 2021-12-15. Review status: criteria provided, single submitter. Criteria: Invitae Variant Classification Sherloc (09022015). Collection method: clinical testing. Allele origin: germline.
Comment: This sequence change replaces aspartic acid, which is acidic and polar, with glycine, which is neutral and non-polar, at codon 301 of the BIN1 protein (p.Asp301Gly). The frequency data for this variant in the population databases is considered unreliable, as metrics indicate poor data quality at this position in the gnomAD database. In summary, the available evidence is currently insufficient to determine the role of this variant in disease. Therefore, it has been classified as a Variant of Uncertain Significance. Algorithms developed to predict the effect of sequence changes on RNA splicing suggest that this variant may create or strengthen a splice site. Algorithms developed to predict the effect of missense changes on protein structure and function (SIFT, PolyPhen-2, Align-GVGD) all suggest that this variant is likely to be tolerated. This variant has not been reported in the literature in individuals affected with BIN1-related conditions.